The following is an entry in ClinVar:

NM_012210.4(TRIM32):c.1423A>G (p.Ile475Val)

Genes: ASTN2 (astrotactin 2; minus strand), TRIM32 (tripartite motif containing 32; plus strand). Cytogenetic location: 9q33.1.
Variant type: single nucleotide variant.
Coding change: c.1423A>G on transcript NM_012210.4 (MANE Select); coding-DNA position 1423, A replaced by G.
Protein change: p.Ile475Val; replaces isoleucine 475 with valine.
Molecular consequence: missense variant. On other transcripts: intron variant (3).
Genome position (GRCh38, 1-based): chr9:116,699,165, A>G. VCF-style: chr9-116699165-A-G. GRCh37 (hg19) VCF-style: chr9-119461444-A-G.
Other names: c.1423A>G, p.Ile475Val (NM_001099679.2, NM_001379048.1, NM_001379049.1 and 1 more transcripts); c.2653+26606T>C (NM_014010.5); c.2794+26606T>C (NM_001365069.1); c.2806+26606T>C (NM_001365068.1); short protein forms I475V.
Identifiers: ClinVar variation 3461269 (VCV003461269.2).

ClinVar aggregate classification (germline): Uncertain significance. Review status: criteria provided, multiple submitters, no conflicts (2 of 4 stars). 2 submissions from 2 submitters: Uncertain significance (2). Last evaluated 2025-09-22.

Conditions:
Inborn genetic diseases. Identifiers: MedGen C0950123, MeSH D030342.
TRIM32-related disorder. Also called: TRIM32-related condition.

gnomAD v4.1: 3 of 1,614,270 alleles (0.00019%); highest among the groups gnomAD compares: Non-Finnish European, 0.00025%; no homozygotes.

Submissions (2):

PreventionGenetics, part of Exact Sciences
Classification: Uncertain significance for TRIM32-related condition. Last evaluated: 2025-09-22. Review status: criteria provided, single submitter. Criteria: ACMG Guidelines, 2015. Collection method: clinical testing. Allele origin: germline.
Comment: The TRIM32 c.1423A>G variant is predicted to result in the amino acid substitution p.Ile475Val. To our knowledge, this variant has not been reported in the literature or in a large population database (gnomAD), indicating this variant is rare. At this time, the clinical significance of this variant is uncertain due to the absence of conclusive functional and genetic evidence.

Ambry Genetics
Classification: Uncertain significance for Inborn genetic diseases. Last evaluated: 2024-12-10. Review status: criteria provided, single submitter. Criteria: Ambry Variant Classification Scheme 2023. Collection method: clinical testing. Allele origin: germline.